The following is an entry in ClinVar:

ClinVar aggregate classification (germline): Uncertain significance. Review status: criteria provided, multiple submitters, no conflicts (2 of 4 stars). 2 submissions from 2 submitters: Uncertain significance (2). Last evaluated 2025-09-03.

gnomAD v4.1: 195 of 1,614,008 alleles (0.012%); highest among the groups gnomAD compares: Non-Finnish European, 0.016%; no homozygotes.

Submissions (2):

Labcorp Genetics (formerly Invitae), Labcorp
Classification: Uncertain significance. Last evaluated: 2025-09-03. Review status: criteria provided, single submitter. Criteria: Invitae Variant Classification Sherloc (09022015). Collection method: clinical testing. Allele origin: germline.
Comment: This sequence change replaces threonine, which is neutral and polar, with arginine, which is basic and polar, at codon 984 of the LAMB1 protein (p.Thr984Arg). This variant is present in population databases (rs373568948, gnomAD 0.03%). This variant has not been reported in the literature in individuals affected with LAMB1-related conditions. ClinVar contains an entry for this variant (Variation ID: 1386815). An algorithm developed to predict the effect of missense changes on protein structure and function (PolyPhen-2) suggests that this variant is likely to be disruptive. In summary, the available evidence is currently insufficient to determine the role of this variant in disease. Therefore, it has been classified as a Variant of Uncertain Significance.

Breakthrough Genomics
Classification: Uncertain significance. Review status: criteria provided, single submitter. Criteria: ACMG Guidelines, 2015. Collection method: not provided. Allele origin: germline. Inheritance: Autosomal recessive inheritance. Affected: yes.

NM_002291.3(LAMB1):c.2951C>G (p.Thr984Arg)

Gene: LAMB1 (laminin subunit beta 1; minus strand). Cytogenetic location: 7q31.1.
Variant type: single nucleotide variant.
Coding change: c.2951C>G on transcript NM_002291.3 (MANE Select); coding-DNA position 2951, C replaced by G.
Protein change: p.Thr984Arg; replaces threonine 984 with arginine.
Molecular consequence: missense variant.
Genome position (GRCh38, 1-based): chr7:107,953,658, G>C on the plus strand (C>G on the coding strand, the complement: LAMB1 is on the minus strand). VCF-style: chr7-107953658-G-C. GRCh37 (hg19) VCF-style: chr7-107594103-G-C.
Other names: short protein forms T984R.
Identifiers: ClinVar variation 1386815 (VCV001386815.9), dbSNP rs373568948, ClinGen allele CA4435470.